The following is an entry in ClinVar:

ClinVar aggregate classification (germline): Uncertain significance (1 of 4 stars; one submission).

Conditions:
Pheochromocytoma. Also called: MAX-Related Hereditary Paraganglioma-Pheochromocytoma Syndrome. Identifiers: Orphanet 29072, MedGen C0031511, MONDO:0008233, OMIM 171300, HP:0002666.
Pheochromocytoma/paraganglioma syndrome 4. Also called: CAROTID BODY TUMORS AND MULTIPLE EXTRAADRENAL PHEOCHROMOCYTOMAS; PARAGANGLIOMA, FAMILIAL MALIGNANT; PARAGANGLIOMAS, HEREDITARY EXTRAADRENAL; PHEOCHROMOCYTOMA, FAMILIAL EXTRAADRENAL; Paragangliomas 4; SDHB-Related Hereditary Paraganglioma-Pheochromocytoma Syndrome (Paragangliomas 4). Identifiers: Orphanet 29072, MedGen C1861848, MONDO:0007273, OMIM 115310.
Gastrointestinal stromal tumor. Also called: Gastrointestinal stromal tumor, somatic; Gastrointestinal stroma tumor. Identifiers: Orphanet 44890, MedGen C0238198, MeSH D046152, MONDO:0011719, OMIM 606764, HP:0100723.

Submission:

Labcorp Genetics (formerly Invitae), Labcorp
Classification: Uncertain significance for Gastrointestinal stromal tumor; Pheochromocytoma/paraganglioma syndrome 4; Pheochromocytoma. Last evaluated: 2025-10-27. Review status: criteria provided, single submitter. Criteria: Invitae Variant Classification Sherloc (09022015). Collection method: clinical testing. Allele origin: germline.
Comment: This sequence change replaces leucine, which is neutral and non-polar, with serine, which is neutral and polar, at codon 9 of the SDHB protein (p.Leu9Ser). This variant is not present in population databases (gnomAD no frequency). This variant has not been reported in the literature in individuals affected with SDHB-related conditions. ClinVar contains an entry for this variant (Variation ID: 3753568). Invitae Evidence Modeling of protein sequence and biophysical properties (such as structural, functional, and spatial information, amino acid conservation, physicochemical variation, residue mobility, and thermodynamic stability) indicates that this missense variant is not expected to disrupt SDHB protein function with a negative predictive value of 95%. In summary, the available evidence is currently insufficient to determine the role of this variant in disease. Therefore, it has been classified as a Variant of Uncertain Significance.

NM_003000.3(SDHB):c.26T>C (p.Leu9Ser)

Gene: SDHB (succinate dehydrogenase complex iron sulfur subunit B; minus strand). Cytogenetic location: 1p36.13.
Variant type: single nucleotide variant.
Coding change: c.26T>C on transcript NM_003000.3 (MANE Select); coding-DNA position 26, T replaced by C.
Protein change: p.Leu9Ser; replaces leucine 9 with serine.
Molecular consequence: missense variant.
Genome position (GRCh38, 1-based): chr1:17,053,994, A>G on the plus strand (T>C on the coding strand, the complement: SDHB is on the minus strand). VCF-style: chr1-17053994-A-G. GRCh37 (hg19) VCF-style: chr1-17380489-A-G.
Other names: c.26T>C, p.Leu9Ser (NM_001407361.1); short protein forms L9S.
Identifiers: ClinVar variation 3753568 (VCV003753568.2).